The following is an entry in ClinVar:

NM_004415.4(DSP):c.5659A>G (p.Lys1887Glu)

Gene: DSP (desmoplakin; plus strand). Cytogenetic location: 6p24.3.
Variant type: single nucleotide variant.
Coding change: c.5659A>G on transcript NM_004415.4 (MANE Select); coding-DNA position 5659, A replaced by G.
Protein change: p.Lys1887Glu; replaces lysine 1887 with glutamic acid.
Molecular consequence: missense variant.
Genome position (GRCh38, 1-based): chr6:7,582,921, A>G. VCF-style: chr6-7582921-A-G. GRCh37 (hg19) VCF-style: chr6-7583154-A-G.
Other names: c.3862A>G, p.Lys1288Glu (NM_001008844.3); c.4330A>G, p.Lys1444Glu (NM_001319034.2); short protein forms K1288E, K1887E, K1444E.
Identifiers: ClinVar variation 2202417 (VCV002202417.4), dbSNP rs2533936867, ClinGen allele CA362689121.

ClinVar aggregate classification (germline): Uncertain significance (1 of 4 stars; one submission).

Conditions:
Arrhythmogenic cardiomyopathy with wooly hair and keratoderma. Also called: PALMOPLANTAR KERATODERMA WITH LEFT VENTRICULAR CARDIOMYOPATHY AND WOOLLY HAIR; Dilated cardiomyopathy with woolly hair and keratoderma; Carvajal syndrome; Arrhythmogenic cardiomyopathy with woolly hair and keratoderma. Identifiers: Orphanet 65282, MedGen C1854063, MONDO:0011581, OMIM 605676.
Arrhythmogenic right ventricular dysplasia 8 (ARVD8). Also called: Arrhythmogenic Right Ventricular Dysplasia/Cardiomyopathy 8; ARRHYTHMOGENIC RIGHT VENTRICULAR DYSPLASIA, FAMILIAL, 8; ARRHYTHMOGENIC RIGHT VENTRICULAR CARDIOMYOPATHY 8. Identifiers: MedGen C1843896, MONDO:0011831, OMIM 607450.

Submission:

Labcorp Genetics (formerly Invitae), Labcorp
Classification: Uncertain significance for Arrhythmogenic cardiomyopathy with wooly hair and keratoderma; Arrhythmogenic right ventricular dysplasia 8. Last evaluated: 2022-07-15. Review status: criteria provided, single submitter. Criteria: Invitae Variant Classification Sherloc (09022015). Collection method: clinical testing. Allele origin: germline.
Comment: This sequence change replaces lysine, which is basic and polar, with glutamic acid, which is acidic and polar, at codon 1887 of the DSP protein (p.Lys1887Glu). This variant is not present in population databases (gnomAD no frequency). This variant has not been reported in the literature in individuals affected with DSP-related conditions. Algorithms developed to predict the effect of missense changes on protein structure and function (SIFT, PolyPhen-2, Align-GVGD) all suggest that this variant is likely to be tolerated. In summary, the available evidence is currently insufficient to determine the role of this variant in disease. Therefore, it has been classified as a Variant of Uncertain Significance.